The following is an entry in ClinVar:

ClinVar aggregate classification (germline): Likely benign (1 of 4 stars; one submission).

Submission:

CeGaT Center for Human Genetics Tuebingen
Classification: Likely benign. Last evaluated: 2023-07-01. Review status: criteria provided, single submitter. Criteria: CeGaT Center For Human Genetics Tuebingen Variant Classification Criteria Version 2. Collection method: clinical testing. Allele origin: germline. Affected: yes. Observed: 1 variant allele.
Comment: PLCH1: PM2:Supporting, BP4, BP7

NM_014996.4(PLCH1):c.2535G>C (p.Val845=)

Gene: PLCH1 (phospholipase C eta 1; minus strand). Cytogenetic location: 3q25.31.
Variant type: single nucleotide variant.
Coding change: c.2535G>C on transcript NM_014996.4 (MANE Select); coding-DNA position 2535, G replaced by C.
Protein change: p.Val845=; no amino-acid change (valine 845 retained).
Molecular consequence: synonymous variant.
Genome position (GRCh38, 1-based): chr3:155,488,664, C>G on the plus strand (G>C on the coding strand, the complement: PLCH1 is on the minus strand). VCF-style: chr3-155488664-C-G. GRCh37 (hg19) VCF-style: chr3-155206453-C-G.
Other names: c.2499G>C, p.Val833= (NM_001130960.2, NM_001130961.2, NM_001349250.2); c.2535G>C, p.Val845= (NM_001349251.2, NM_001349252.2).
Identifiers: ClinVar variation 2654249 (VCV002654249.24), dbSNP rs2473609331, ClinGen allele CA436445190.